The following is an entry in ClinVar:

NM_002894.3(RBBP8):c.800A>G (p.Glu267Gly)

Gene: RBBP8 (RB binding protein 8, endonuclease; plus strand). Cytogenetic location: 18q11.2.
Variant type: single nucleotide variant.
Coding change: c.800A>G on transcript NM_002894.3 (MANE Select); coding-DNA position 800, A replaced by G.
Protein change: p.Glu267Gly; replaces glutamic acid 267 with glycine.
Molecular consequence: missense variant.
Genome position (GRCh38, 1-based): chr18:22,989,311, A>G. VCF-style: chr18-22989311-A-G. GRCh37 (hg19) VCF-style: chr18-20569274-A-G.
Other names: c.800A>G, p.Glu267Gly (NM_203291.2, NM_203292.2); c.800A>G (NM_002894.2); short protein forms E267G.
Identifiers: ClinVar variation 2067024 (VCV002067024.2), dbSNP rs142213980, ClinGen allele CA8909936.

ClinVar aggregate classification (germline): Uncertain significance. Review status: criteria provided, multiple submitters, no conflicts (2 of 4 stars). 2 submissions from 2 submitters: Uncertain significance (2). Last evaluated 2025-04-11.

Conditions:
Inborn genetic diseases. Identifiers: MedGen C0950123, MeSH D030342.

Allele frequency attached by ClinVar (database versions not stated): gnomAD exomes 0.00013; TOPMed 0.00011; 1000 Genomes Project 30x 0.00016; 1000 Genomes Project 0.00020; ExAC 0.00008; ESP Exome Variant Server 0.00008; gnomAD 0.00008.
gnomAD v4.1: 206 of 1,587,914 alleles (0.013%); highest among the groups gnomAD compares: Non-Finnish European, 0.015%; no homozygotes.

Submissions (2):

Ambry Genetics
Classification: Uncertain significance for Inborn genetic diseases. Last evaluated: 2025-04-11. Review status: criteria provided, single submitter. Criteria: Ambry Variant Classification Scheme 2023. Collection method: clinical testing. Allele origin: germline.

Labcorp Genetics (formerly Invitae), Labcorp
Classification: Uncertain significance. Last evaluated: 2022-02-20. Review status: criteria provided, single submitter. Criteria: Invitae Variant Classification Sherloc (09022015). Collection method: clinical testing. Allele origin: germline.
Comment: This sequence change replaces glutamic acid, which is acidic and polar, with glycine, which is neutral and non-polar, at codon 267 of the RBBP8 protein (p.Glu267Gly). This variant is present in population databases (rs142213980, gnomAD 0.01%). This variant has not been reported in the literature in individuals affected with RBBP8-related conditions. Algorithms developed to predict the effect of missense changes on protein structure and function are either unavailable or do not agree on the potential impact of this missense change (SIFT: "Deleterious"; PolyPhen-2: "Benign"; Align-GVGD: "Class C0"). In summary, the available evidence is currently insufficient to determine the role of this variant in disease. Therefore, it has been classified as a Variant of Uncertain Significance.